The following is an entry in ClinVar:

ClinVar aggregate classification (germline): Uncertain significance (1 of 4 stars; one submission).

Conditions:
Muscular dystrophy-dystroglycanopathy (congenital with impaired intellectual development), type B, 1. Also called: MUSCULAR DYSTROPHY, CONGENITAL, POMT1-RELATED; Muscular dystrophy-dystroglycanopathy (congenital with intellectual disability), type B1. Identifiers: MedGen C5436962, MONDO:0013159, OMIM 613155.
Autosomal recessive limb-girdle muscular dystrophy type 2K. Also called: MUSCULAR DYSTROPHY-DYSTROGLYCANOPATHY (LIMB-GIRDLE), TYPE C, 1; MUSCULAR DYSTROPHY, LIMB-GIRDLE, TYPE 2K. Identifiers: Orphanet 86812, MedGen C1836373, MONDO:0012248, OMIM 609308.
Walker-Warburg congenital muscular dystrophy. Also called: Muscular dystrophy-dystroglycanopathy, type A; Walker-Warburg syndrome. Identifiers: Orphanet 899, MedGen C0265221, MONDO:0000171.

Submission:

Labcorp Genetics (formerly Invitae), Labcorp
Classification: Uncertain significance for Muscular dystrophy-dystroglycanopathy (congenital with impaired intellectual development), type B, 1; Walker-Warburg congenital muscular dystrophy; Autosomal recessive limb-girdle muscular dystrophy type 2K. Last evaluated: 2022-07-12. Review status: criteria provided, single submitter. Criteria: Invitae Variant Classification Sherloc (09022015). Collection method: clinical testing. Allele origin: germline.
Comment: In summary, the available evidence is currently insufficient to determine the role of this variant in disease. Therefore, it has been classified as a Variant of Uncertain Significance. Experimental studies and prediction algorithms are not available or were not evaluated, and the functional significance of this variant is currently unknown. ClinVar contains an entry for this variant (Variation ID: 1056830). This variant has not been reported in the literature in individuals affected with POMT1-related conditions. This variant is not present in population databases (gnomAD no frequency). This variant, c.1028_1048del, is a complex sequence change that results in the deletion of 8 and insertion of 1 amino acid(s) in the POMT1 protein (p.Ser343_Met350delinsLeu).

NM_001077365.2(POMT1):c.962_982del (p.Ser321_Met328delinsLeu)

Gene: POMT1 (protein O-mannosyltransferase 1; plus strand). Cytogenetic location: 9q34.13.
Variant type: Deletion.
Coding change: c.962_982del on transcript NM_001077365.2 (MANE Select); coding-DNA positions 962 to 982, 21 bases deleted (CCCACCAGGACACCTACCCCA).
Protein change: p.Ser321_Met328delinsLeu.
Molecular consequence: inframe indel. On other transcripts: inframe deletion (1), non-coding transcript variant (10).
Genome position (GRCh38, 1-based): chr9:131,511,443-131,511,463, CCCACCAGGACACCTACCCCA deleted. VCF-style (leftmost placement, unchanged base first): chr9-131511442-TCCCACCAGGACACCTACCCCA-T. GRCh37 (hg19) VCF-style: chr9-134386829-TCCCACCAGGACACCTACCCCA-T.
Other names: c.800_820del, p.Ser267_Met274delinsLeu (NM_001077366.2, NM_001353194.2, NM_001374693.1); c.962_982del, p.Ser321_Met328delinsLeu (NM_001136113.2, NM_001374690.1); c.611_631del, p.Ser204_Met211delinsLeu (NM_001136114.2, NM_001353195.2, NM_001374691.1 and 1 more transcripts); c.1028_1048del, p.Ser343_Met350delinsLeu (NM_001353193.2, NM_007171.4); c.872_892del, p.Ser291_Met298delinsLeu (NM_001353196.2); c.866_886del, p.Ser289_Met296delinsLeu (NM_001353197.2, NM_001353198.2); c.677_697del, p.Ser226_Met233delinsLeu (NM_001353199.2); c.506_526del, p.Ser169_Met176delinsLeu (NM_001353200.2); and 2 more.
Identifiers: ClinVar variation 1056830 (VCV001056830.9), dbSNP rs2131673494, ClinGen allele CA2499219681.